The following is an entry in ClinVar:

NM_178170.3(NEK8):c.211del (p.Leu71fs)

Gene: NEK8 (NIMA related kinase 8; plus strand). Cytogenetic location: 17q11.2.
Variant type: Deletion.
Coding change: c.211del on transcript NM_178170.3 (MANE Select); coding-DNA position 211, one base deleted (C; older notation c.211delC).
Protein change: p.Leu71fs; shifts the reading frame from leucine 71.
Molecular consequence: frameshift variant.
Genome position (GRCh38, 1-based): chr17:28,734,146, C deleted; the last of 2 consecutive C bases (chr17:28,734,145-28,734,146); deleting either gives the same sequence. VCF-style (leftmost placement, unchanged base first): chr17-28734144-TC-T. GRCh37 (hg19) VCF-style: chr17-27061162-TC-T.
Other names: short protein forms L71fs.
Identifiers: ClinVar variation 3365399 (VCV003365399.2).
Genomic context (GRCh38, chr17:28,734,144, plus strand): 5'-ATGAGTGCCAGGTCCTCAAGCTGCTCAACCACCCCAATGTCATTGAGTACTACGAGAACT[TC>T]CTGGAAGACAAAGCCCTTATGATCGCCATGGAATATGCACCAGGTGGGCCAGCCTCCTTA-3'

ClinVar aggregate classification (germline): Likely pathogenic. Review status: criteria provided, multiple submitters, no conflicts (2 of 4 stars). 2 submissions from 2 submitters: Likely pathogenic (2). Last evaluated 2024-11-22.

Submissions (2):

Revvity Omics, Revvity
Classification: Likely pathogenic. Last evaluated: 2024-11-22. Review status: criteria provided, single submitter. Criteria: ACMG Guidelines, 2015. Collection method: clinical testing. Allele origin: germline.

GeneDx
Classification: Likely pathogenic. Last evaluated: 2024-04-16. Review status: criteria provided, single submitter. Criteria: GeneDx Variant Classification Process June 2021. Collection method: clinical testing. Allele origin: germline. Affected: yes.
Comment: Frameshift variant predicted to result in protein truncation or nonsense mediated decay in a gene for which loss of function is a known mechanism of disease; Has not been previously published as pathogenic or benign to our knowledge